The following is an entry in ClinVar:

ClinVar aggregate classification (germline): Uncertain significance (1 of 4 stars; one submission).

Conditions:
Familial focal epilepsy with variable foci (FPEVF). Identifiers: Orphanet 98820, MedGen C1858477, MONDO:0020310.

Submission:

Labcorp Genetics (formerly Invitae), Labcorp
Classification: Uncertain significance for Familial focal epilepsy with variable foci. Last evaluated: 2022-03-23. Review status: criteria provided, single submitter. Criteria: Invitae Variant Classification Sherloc (09022015). Collection method: clinical testing. Allele origin: germline.
Comment: In summary, the available evidence is currently insufficient to determine the role of this variant in disease. Therefore, it has been classified as a Variant of Uncertain Significance. This variant disrupts a region of the DEPDC5 protein in which other variant(s) (p.Leu1573Pro) have been observed in individuals with DEPDC5-related conditions (PMID: 25989649). This suggests that this is a clinically significant region of the protein, and that variants that disrupt it are likely to be disease-causing. This variant has not been reported in the literature in individuals affected with DEPDC5-related conditions. This variant is not present in population databases (gnomAD no frequency). This sequence change creates a premature translational stop signal (p.Lys1567Serfs*7) in the DEPDC5 gene. While this is not anticipated to result in nonsense mediated decay, it is expected to disrupt the last 37 amino acid(s) of the DEPDC5 protein.

Literature cited by the submitters: PubMed 25989649.

NM_001242896.3(DEPDC5):c.4700del (p.Lys1567fs)

Gene: DEPDC5 (DEP domain containing 5, GATOR1 subcomplex subunit; plus strand). Cytogenetic location: 22q12.3.
Variant type: Deletion.
Coding change: c.4700del on transcript NM_001242896.3 (MANE Select); coding-DNA position 4700, one base deleted (A; older notation c.4700delA).
Protein change: p.Lys1567fs; shifts the reading frame from lysine 1567.
Molecular consequence: frameshift variant. On other transcripts: non-coding transcript variant (5).
Genome position (GRCh38, 1-based): chr22:31,906,385, A deleted; the last of 4 consecutive A bases (chr22:31,906,382-31,906,385); deleting any one gives the same sequence. VCF-style (leftmost placement, unchanged base first): chr22-31906381-GA-G. GRCh37 (hg19) VCF-style: chr22-32302367-GA-G.
Other names: c.4673del, p.Lys1558fs (NM_001136029.4); c.4400del, p.Lys1467fs (NM_001242897.2); c.4634del, p.Lys1545fs (NM_001363852.2, NM_001364320.2); c.4466del, p.Lys1489fs (NM_001363854.2, NM_001364319.2); c.4700del, p.Lys1567fs (NM_001364318.2); c.4616del, p.Lys1539fs (NM_001369901.1, NM_001369902.1); c.4607del, p.Lys1536fs (NM_001369903.1, NM_014662.6); short protein forms K1467fs, K1545fs, K1567fs, K1558fs, K1489fs, K1536fs, K1539fs.
Identifiers: ClinVar variation 2097587 (VCV002097587.4), dbSNP rs2523601578, ClinGen allele CA2580099665.